The following is an entry in ClinVar:

ClinVar aggregate classification (germline): Likely benign. Review status: criteria provided, multiple submitters, no conflicts (2 of 4 stars). 3 submissions from 3 submitters: Likely benign (3). Last evaluated 2025-12-24.

Conditions:
Neuronal ceroid lipofuscinosis. Also called: Neuronal Ceroid Lipofuscinoses. Identifiers: Orphanet 216, Orphanet 79263, MedGen C0027877, MONDO:0016295. Disease mechanism: loss of function.

Allele frequency attached by ClinVar (database versions not stated): gnomAD 0.00001; gnomAD exomes 0.00001.

Submissions (3):

Labcorp Genetics (formerly Invitae), Labcorp
Classification: Likely benign for Neuronal ceroid lipofuscinosis. Last evaluated: 2025-12-24. Review status: criteria provided, single submitter. Criteria: Invitae Variant Classification Sherloc (09022015). Collection method: clinical testing. Allele origin: germline.

GeneDx
Classification: Likely benign. Last evaluated: 2017-02-09. Review status: criteria provided, single submitter. Criteria: GeneDx Variant Classification (06012015). Collection method: clinical testing. Allele origin: germline. Affected: yes.
Comment: This variant is considered likely benign or benign based on one or more of the following criteria: it is a conservative change, it occurs at a poorly conserved position in the protein, it is predicted to be benign by multiple in silico algorithms, and/or has population frequency not consistent with disease.

Breakthrough Genomics
Classification: Likely benign. Review status: criteria provided, single submitter. Criteria: ACMG Guidelines, 2015. Collection method: not provided. Allele origin: germline. Inheritance: Autosomal recessive inheritance. Affected: yes.

NM_006493.4(CLN5):c.21G>T (p.Thr7=)

Gene: CLN5 (CLN5 lysosomal BMP synthase; plus strand). Cytogenetic location: 13q22.3.
Variant type: single nucleotide variant.
Coding change: c.21G>T on transcript NM_006493.4 (MANE Select); coding-DNA position 21, G replaced by T.
Protein change: p.Thr7=; no amino-acid change (threonine 7 retained).
Molecular consequence: synonymous variant.
Genome position (GRCh38, 1-based): chr13:76,992,119, G>T. VCF-style: chr13-76992119-G-T. GRCh37 (hg19) VCF-style: chr13-77566254-G-T.
Other names: c.168G>T (LRG_692t1); c.21G>T, p.Thr7= (NM_001366624.2).
Identifiers: ClinVar variation 506696 (VCV000506696.12), dbSNP rs1057521258, ClinGen allele CA484334688.